The following is an entry in ClinVar:

ClinVar aggregate classification (germline): Uncertain significance. Review status: criteria provided, multiple submitters, no conflicts (2 of 4 stars). 3 submissions from 3 submitters: Uncertain significance (3). Last evaluated 2026-08-01.

Conditions:
AHI1-related disorder. Also called: AHI1-related condition.
Joubert syndrome. Also called: JOUBERT-BOLTSHAUSER SYNDROME; Familial aplasia of the vermis. Identifiers: Orphanet 475, MedGen C5979921, MONDO:0018772.

Allele frequency attached by ClinVar (database versions not stated): TOPMed below 0.00001; gnomAD 0.00001; gnomAD exomes 0.00002; ExAC 0.00005.

Submissions (3):

PreventionGenetics, part of Exact Sciences
Classification: Uncertain significance for AHI1-related condition. Last evaluated: 2026-08-01. Review status: criteria provided, single submitter. Criteria: ACMG Guidelines, 2015. Collection method: clinical testing. Allele origin: germline.
Comment: The AHI1 c.1766G>A variant is predicted to result in the amino acid substitution p.Arg589Gln. To our knowledge, this variant has not been reported in the literature. This variant is reported in 0.0053% of alleles in individuals of European (Non-Finnish) descent in gnomAD. At this time, the clinical significance of this variant is uncertain due to the absence of conclusive functional and genetic evidence.

Labcorp Genetics (formerly Invitae), Labcorp
Classification: Uncertain significance for Joubert syndrome. Last evaluated: 2022-08-16. Review status: criteria provided, single submitter. Criteria: Invitae Variant Classification Sherloc (09022015). Collection method: clinical testing. Allele origin: germline.
Comment: This sequence change replaces arginine, which is basic and polar, with glutamine, which is neutral and polar, at codon 589 of the AHI1 protein (p.Arg589Gln). This variant is present in population databases (rs757910826, gnomAD 0.005%). This variant has not been reported in the literature in individuals affected with AHI1-related conditions. ClinVar contains an entry for this variant (Variation ID: 1351256). Algorithms developed to predict the effect of missense changes on protein structure and function are either unavailable or do not agree on the potential impact of this missense change (SIFT: "Deleterious"; PolyPhen-2: "Probably Damaging"; Align-GVGD: "Class C0"). In summary, the available evidence is currently insufficient to determine the role of this variant in disease. Therefore, it has been classified as a Variant of Uncertain Significance.

Blueprint Genetics
Classification: Uncertain significance. Last evaluated: 2021-10-04. Review status: criteria provided, single submitter. Criteria: ACMG Guidelines, 2015. Collection method: clinical testing. Allele origin: germline.

NM_001134831.2(AHI1):c.1766G>A (p.Arg589Gln)

Gene: AHI1 (Abelson helper integration site 1; minus strand). Cytogenetic location: 6q23.3.
Variant type: single nucleotide variant.
Coding change: c.1766G>A on transcript NM_001134831.2 (MANE Select); coding-DNA position 1766, G replaced by A.
Protein change: p.Arg589Gln; replaces arginine 589 with glutamine.
Molecular consequence: missense variant.
Genome position (GRCh38, 1-based): chr6:135,447,021, C>T on the plus strand (G>A on the coding strand, the complement: AHI1 is on the minus strand). VCF-style: chr6-135447021-C-T. GRCh37 (hg19) VCF-style: chr6-135768159-C-T.
Other names: c.1766G>A, p.Arg589Gln (NM_001134830.2, NM_001134832.2, NM_001350503.2 and 2 more transcripts); c.1766G>A (NM_017651.4); short protein forms R589Q.
Identifiers: ClinVar variation 1351256 (VCV001351256.5), dbSNP rs757910826, ClinGen allele CA4012530.